The following is an entry in ClinVar:

NM_005546.4(ITK):c.*1208G>T

Gene: ITK (IL2 inducible T cell kinase; plus strand). Cytogenetic location: 5q33.3.
Variant type: single nucleotide variant.
Coding change: c.*1208G>T on transcript NM_005546.4 (MANE Select); 1208 bases downstream of the stop codon, G replaced by T.
Molecular consequence: 3 prime UTR variant.
Genome position (GRCh38, 1-based): chr5:157,253,886, G>T. VCF-style: chr5-157253886-G-T. GRCh37 (hg19) VCF-style: chr5-156680896-G-T.
Identifiers: ClinVar variation 352492 (VCV000352492.5), dbSNP rs115086689, ClinGen allele CA10621085.

ClinVar aggregate classification (germline): Benign (1 of 4 stars; one submission).

Conditions:
Lymphoproliferative syndrome 1 (LPFS1). Identifiers: Orphanet 238505, Orphanet 538963, MedGen C3552634, MONDO:0013081, OMIM 613011.

Allele frequency attached by ClinVar (database versions not stated): gnomAD exomes 0.00176; 1000 Genomes Project 30x 0.01124; gnomAD 0.01267 and 0.01375; 1000 Genomes Project 0.01278; TOPMed 0.01411.
gnomAD v4.1: 2,054 of 222,844 alleles (0.92%); highest among the groups gnomAD compares: African/African-American, 4.3%; 39 homozygotes.

Submission:

Illumina Laboratory Services, Illumina
Classification: Benign for Lymphoproliferative syndrome 1. Last evaluated: 2018-01-13. Review status: criteria provided, single submitter. Criteria: ICSL Variant Classification Criteria 13 December 2019. Collection method: clinical testing. Allele origin: germline.
Comment: This variant was observed in the ICSL laboratory as part of a predisposition screen in an ostensibly healthy population. It had not been previously curated by ICSL or reported in the Human Gene Mutation Database (HGMD: prior to June 1st, 2018), and was therefore a candidate for classification through an automated scoring system. Utilizing variant allele frequency, disease prevalence and penetrance estimates, and inheritance mode, an automated score was calculated to assess if this variant is too frequent to cause the disease. Based on the score and internal cut-off values, a variant classified as benign is not then subjected to further curation. The score for this variant resulted in a classification of benign for this disease.